The following is an entry in ClinVar:

ClinVar aggregate classification (germline): Uncertain significance (1 of 4 stars; one submission).

Conditions:
Nemaline myopathy 10 (NEM10). Identifiers: MedGen C4015360, MONDO:0014513, OMIM 616165.

Allele frequency attached by ClinVar (database versions not stated): TOPMed below 0.00001.

Submission:

Labcorp Genetics (formerly Invitae), Labcorp
Classification: Uncertain significance for Nemaline myopathy 10. Last evaluated: 2022-03-20. Review status: criteria provided, single submitter. Criteria: Invitae Variant Classification Sherloc (09022015). Collection method: clinical testing. Allele origin: germline.
Comment: In summary, the available evidence is currently insufficient to determine the role of this variant in disease. Therefore, it has been classified as a Variant of Uncertain Significance. This sequence change replaces arginine, which is basic and polar, with serine, which is neutral and polar, at codon 398 of the LMOD3 protein (p.Arg398Ser). This variant is not present in population databases (gnomAD no frequency). This variant has not been reported in the literature in individuals affected with LMOD3-related conditions. Algorithms developed to predict the effect of missense changes on protein structure and function (SIFT, PolyPhen-2, Align-GVGD) all suggest that this variant is likely to be disruptive.

NM_198271.5(LMOD3):c.1194G>C (p.Arg398Ser)

Gene: LMOD3 (leiomodin 3; minus strand). Cytogenetic location: 3p14.1.
Variant type: single nucleotide variant.
Coding change: c.1194G>C on transcript NM_198271.5 (MANE Select); coding-DNA position 1194, G replaced by C.
Protein change: p.Arg398Ser; replaces arginine 398 with serine.
Molecular consequence: missense variant.
Genome position (GRCh38, 1-based): chr3:69,119,161, C>G on the plus strand (G>C on the coding strand, the complement: LMOD3 is on the minus strand). VCF-style: chr3-69119161-C-G. GRCh37 (hg19) VCF-style: chr3-69168312-C-G.
Other names: c.1194G>C, p.Arg398Ser (NM_001304418.3); short protein forms R398S.
Identifiers: ClinVar variation 1366192 (VCV001366192.6), dbSNP rs1291539118, ClinGen allele CA353472414.